The following is an entry in ClinVar:

NM_018255.4(ELP2):c.1688+3A>G

Gene: ELP2 (elongator acetyltransferase complex subunit 2; plus strand). Cytogenetic location: 18q12.2.
Variant type: single nucleotide variant.
Coding change: c.1688+3A>G on transcript NM_018255.4 (MANE Select); 3 bases into the intron after coding-DNA position 1688, A replaced by G.
Molecular consequence: intron variant.
Genome position (GRCh38, 1-based): chr18:36,160,018, A>G. VCF-style: chr18-36160018-A-G. GRCh37 (hg19) VCF-style: chr18-33739981-A-G.
Other names: c.1883+3A>G (NM_001242875.3); c.1538+3A>G (NM_001324467.2); c.1556+3A>G (NM_001324465.2); c.1805+3A>G (NM_001324466.2); c.1673+3A>G (NM_001242876.3); c.1610+3A>G (NM_001242877.3); c.1478+3A>G (NM_001242878.3, NM_001242879.3); c.1241+3A>G (NM_001324468.2).
Identifiers: ClinVar variation 2303111 (VCV002303111.2), dbSNP rs765907443, ClinGen allele CA8940049.
Genomic context (GRCh38, chr18:36,160,018, plus strand): 5'-AGCCTCCCACTGAGGATCATCTTCTGCAGAATACTTTGTGGCCTGAAGTTCAAAAACTGT[A>G]AGTTAAACTGTATTTAGCTCTTTGGTCTGATTCTGTCGTAACTTCTGACTTTTCCTCCCC-3'

ClinVar aggregate classification (germline): Uncertain significance (1 of 4 stars; one submission).

Conditions:
Inborn genetic diseases. Identifiers: MedGen C0950123, MeSH D030342.

Allele frequency attached by ClinVar (database versions not stated): ExAC 0.00001; gnomAD exomes 0.00001; gnomAD 0.00002; TOPMed 0.00003.
gnomAD v4.1: 14 of 1,613,542 alleles (0.00087%); highest among the groups gnomAD compares: Admixed American, 0.015%; no homozygotes.

Submission:

Ambry Genetics
Classification: Uncertain significance for Inborn genetic diseases. Last evaluated: 2022-08-30. Review status: criteria provided, single submitter. Criteria: Ambry Variant Classification Scheme 2023. Collection method: clinical testing. Allele origin: germline.
Comment: The c.1883+3A>G intronic alteration consists of a A to G substitution 3 nucleotides after exon 17 of the ELP2 gene. Based on insufficient or conflicting evidence, the clinical significance of this alteration remains unclear.